The following is an entry in ClinVar:

NM_000092.5(COL4A4):c.114+1G>A

Gene: COL4A4 (collagen type IV alpha 4 chain; minus strand). Cytogenetic location: 2q36.3.
Variant type: single nucleotide variant.
Coding change: c.114+1G>A on transcript NM_000092.5 (MANE Select); the canonical splice donor site of the intron after coding-DNA position 114, G replaced by A.
Molecular consequence: splice donor variant.
Genome position (GRCh38, 1-based): chr2:227,144,515, C>T on the plus strand (G>A on the coding strand, the complement: COL4A4 is on the minus strand). VCF-style: chr2-227144515-C-T. GRCh37 (hg19) VCF-style: chr2-228009231-C-T.
Identifiers: ClinVar variation 2994682 (VCV002994682.3), dbSNP rs1553712110, ClinGen allele CA350842642.

ClinVar aggregate classification (germline): Likely pathogenic (1 of 4 stars; one submission).

Allele frequency attached by ClinVar (database versions not stated): gnomAD 0.00001.
gnomAD v4.1: 1 of 1,608,940 alleles (0.000062%); highest among the groups gnomAD compares: African/African-American, 0.0013%; no homozygotes.

Submission:

Labcorp Genetics (formerly Invitae), Labcorp
Classification: Likely pathogenic. Last evaluated: 2023-12-12. Review status: criteria provided, single submitter. Criteria: Invitae Variant Classification Sherloc (09022015). Collection method: clinical testing. Allele origin: germline.
Comment: This sequence change affects a donor splice site in intron 3 of the COL4A4 gene. It is expected to disrupt RNA splicing. Variants that disrupt the donor or acceptor splice site typically lead to a loss of protein function (PMID: 16199547), and loss-of-function variants in COL4A4 are known to be pathogenic (PMID: 21196518, 24854265, 25307543). This variant is not present in population databases (gnomAD no frequency). Disruption of this splice site has been observed in individual(s) with clinical features of Alport syndrome (PMID: 33772369). Algorithms developed to predict the effect of sequence changes on RNA splicing suggest that this variant may disrupt the consensus splice site. In summary, the currently available evidence indicates that the variant is pathogenic, but additional data are needed to prove that conclusively. Therefore, this variant has been classified as Likely Pathogenic.

Literature cited by the submitters: PubMed 16199547; PubMed 21196518; PubMed 24854265; PubMed 25307543; PubMed 33772369.